The following is an entry in ClinVar:

NM_022124.6(CDH23):c.5215G>A (p.Asp1739Asn)

Gene: CDH23 (cadherin related 23; plus strand). Cytogenetic location: 10q22.1.
Variant type: single nucleotide variant.
Coding change: c.5215G>A on transcript NM_022124.6 (MANE Select); coding-DNA position 5215, G replaced by A.
Protein change: p.Asp1739Asn; replaces aspartic acid 1739 with asparagine.
Molecular consequence: missense variant.
Genome position (GRCh38, 1-based): chr10:71,779,294, G>A. VCF-style: chr10-71779294-G-A. GRCh37 (hg19) VCF-style: chr10-73539051-G-A.
Other names: c.5215G>A (NM_022124.5); short protein forms D1739N.
Identifiers: ClinVar variation 1376205 (VCV001376205.6), dbSNP rs370337521, ClinGen allele CA5545687.
Genomic context (GRCh38, chr10:71,779,294, plus strand): 5'-TGAGGCCTTGGCTAAGCTTTTCCACCATCTCAGGTGCTTGTGAATGTGAATGACATCAAC[G>A]ACAATGTGCCTACCTTCCCCCGGGACTATGAGGGACCATTTGAAGTCACTGAGGGCCAGC-3'
Protein context (NP_071407.4, residues 1729-1749): TVLVNVNDIN[Asp1739Asn]NVPTFPRDYE

ClinVar aggregate classification (germline): Uncertain significance. Review status: criteria provided, multiple submitters, no conflicts (2 of 4 stars). 2 submissions from 2 submitters: Uncertain significance (2). Last evaluated 2025-07-15.

Conditions:
Inborn genetic diseases. Identifiers: MedGen C0950123, MeSH D030342.

Allele frequency attached by ClinVar (database versions not stated): gnomAD exomes below 0.00001 and 0.00001; gnomAD 0.00001; ExAC 0.00002; ESP Exome Variant Server 0.00008.
gnomAD v4.1: 4 of 1,613,890 alleles (0.00025%); highest among the groups gnomAD compares: African/African-American, 0.0027%; no homozygotes.

Submissions (2):

Ambry Genetics
Classification: Uncertain significance for Inborn genetic diseases. Last evaluated: 2025-07-15. Review status: criteria provided, single submitter. Criteria: Ambry Variant Classification Scheme 2023. Collection method: clinical testing. Allele origin: germline.

Labcorp Genetics (formerly Invitae), Labcorp
Classification: Uncertain significance. Last evaluated: 2021-08-31. Review status: criteria provided, single submitter. Criteria: Invitae Variant Classification Sherloc (09022015). Collection method: clinical testing. Allele origin: germline.
Comment: This sequence change replaces aspartic acid with asparagine at codon 1739 of the CDH23 protein (p.Asp1739Asn). The aspartic acid residue is highly conserved and there is a small physicochemical difference between aspartic acid and asparagine. This variant is present in population databases (rs370337521, ExAC 0.02%). This variant has not been reported in the literature in individuals affected with CDH23-related conditions. Algorithms developed to predict the effect of missense changes on protein structure and function are either unavailable or do not agree on the potential impact of this missense change (SIFT: "Deleterious"; PolyPhen-2: "Not Available"; Align-GVGD: "Class C15"). In summary, the available evidence is currently insufficient to determine the role of this variant in disease. Therefore, it has been classified as a Variant of Uncertain Significance.